The following is an entry in ClinVar:

NM_014285.7(EXOSC2):c.541C>T (p.Arg181Trp)

Gene: EXOSC2 (exosome component 2; plus strand). Cytogenetic location: 9q34.12.
Variant type: single nucleotide variant.
Coding change: c.541C>T on transcript NM_014285.7 (MANE Select); coding-DNA position 541, C replaced by T.
Protein change: p.Arg181Trp; replaces arginine 181 with tryptophan.
Molecular consequence: missense variant. On other transcripts: non-coding transcript variant (1).
Genome position (GRCh38, 1-based): chr9:130,702,179, C>T. VCF-style: chr9-130702179-C-T. GRCh37 (hg19) VCF-style: chr9-133577566-C-T.
Other names: c.463C>T, p.Arg155Trp (NM_001282708.1); c.451C>T, p.Arg151Trp (NM_001282709.1); c.541C>T (NM_014285.5); short protein forms R151W, R155W, R181W.
Identifiers: ClinVar variation 2152728 (VCV002152728.4), dbSNP rs373383245, ClinGen allele CA5284912.

ClinVar aggregate classification (germline): Uncertain significance. Review status: criteria provided, multiple submitters, no conflicts (2 of 4 stars). 2 submissions from 2 submitters: Uncertain significance (2). Last evaluated 2025-02-18.

Allele frequency attached by ClinVar (database versions not stated): gnomAD exomes below 0.00001; ExAC 0.00001; TOPMed 0.00001; gnomAD 0.00003.

Submissions (2):

Ambry Genetics
Classification: Uncertain significance. Last evaluated: 2025-02-18. Review status: criteria provided, single submitter. Criteria: Ambry Variant Classification Scheme 2023. Collection method: clinical testing. Allele origin: germline.

Labcorp Genetics (formerly Invitae), Labcorp
Classification: Uncertain significance. Last evaluated: 2024-12-02. Review status: criteria provided, single submitter. Criteria: Invitae Variant Classification Sherloc (09022015). Collection method: clinical testing. Allele origin: germline.
Comment: This sequence change replaces arginine, which is basic and polar, with tryptophan, which is neutral and slightly polar, at codon 181 of the EXOSC2 protein (p.Arg181Trp). This variant is present in population databases (rs373383245, gnomAD 0.005%). This variant has not been reported in the literature in individuals affected with EXOSC2-related conditions. ClinVar contains an entry for this variant (Variation ID: 2152728). Invitae Evidence Modeling of protein sequence and biophysical properties (such as structural, functional, and spatial information, amino acid conservation, physicochemical variation, residue mobility, and thermodynamic stability) indicates that this missense variant is expected to disrupt EXOSC2 protein function with a positive predictive value of 80%. Algorithms developed to predict the effect of sequence changes on RNA splicing suggest that this variant may disrupt the consensus splice site. In summary, the available evidence is currently insufficient to determine the role of this variant in disease. Therefore, it has been classified as a Variant of Uncertain Significance.